The following is an entry in ClinVar:

ClinVar aggregate classification (germline): Uncertain significance (1 of 4 stars; one submission).

Conditions:
Inborn genetic diseases. Identifiers: MedGen C0950123, MeSH D030342.

Submission:

Ambry Genetics
Classification: Uncertain significance for Inborn genetic diseases. Last evaluated: 2025-12-09. Review status: criteria provided, single submitter. Criteria: Ambry Variant Classification Scheme 2023. Collection method: clinical testing. Allele origin: germline.
Comment: The p.V108M variant (also known as c.322G>A), located in coding exon 2 of the MBD4 gene, results from a G to A substitution at nucleotide position 322. The valine at codon 108 is replaced by methionine, an amino acid with highly similar properties. This amino acid position is conserved. In addition, this alteration is predicted to be deleterious by in silico analysis. Based on the available evidence, the clinical significance of this variant remains unclear.

NM_001276270.2(MBD4):c.322G>A (p.Val108Met)

Gene: MBD4 (methyl-CpG binding domain 4, DNA glycosylase; minus strand). Cytogenetic location: 3q21.3.
Variant type: single nucleotide variant.
Coding change: c.322G>A on transcript NM_001276270.2 (MANE Select); coding-DNA position 322, G replaced by A.
Protein change: p.Val108Met; replaces valine 108 with methionine.
Molecular consequence: missense variant. On other transcripts: intron variant (1).
Genome position (GRCh38, 1-based): chr3:129,437,733, C>T on the plus strand (G>A on the coding strand, the complement: MBD4 is on the minus strand). VCF-style: chr3-129437733-C-T. GRCh37 (hg19) VCF-style: chr3-129156576-C-T.
Other names: c.322G>A, p.Val108Met (NM_001276271.2, NM_001276272.2, NM_003925.3); c.247+75G>A (NM_001276273.2); short protein forms V108M.
Identifiers: ClinVar variation 4624438 (VCV004624438.1).